The following is an entry in ClinVar:

NM_001018115.3(FANCD2):c.3778-274A>G

Genes: FANCD2 (FA complementation group D2; plus strand), FANCD2OS (FANCD2 opposite strand; minus strand). Cytogenetic location: 3p25.3.
Variant type: single nucleotide variant.
Coding change: c.3778-274A>G on transcript NM_001018115.3 (MANE Select); 274 bases into the intron before coding-DNA position 3778, A replaced by G.
Molecular consequence: intron variant.
Genome position (GRCh38, 1-based): chr3:10,091,907, A>G. VCF-style: chr3-10091907-A-G. GRCh37 (hg19) VCF-style: chr3-10133591-A-G.
Other names: c.3778-274A>G (NM_001319984.2, NM_033084.6, NM_001374254.1); c.3667-274A>G (NM_001374253.1); c.*44-10376T>C (NM_173472.2).
Identifiers: ClinVar variation 1804480 (VCV001804480.1), dbSNP rs35247345, ClinGen allele CA70032701.

ClinVar aggregate classification (germline): Likely benign (1 of 4 stars; one submission).

Allele frequency attached by ClinVar (database versions not stated): 1000 Genomes Project 0.00339; 1000 Genomes Project 30x 0.00375.
gnomAD v4.1: 682 of 152,340 alleles (0.45%); highest among the groups gnomAD compares: African/African-American, 1.5%; 8 homozygotes.

Submission:

GeneDx
Classification: Likely benign. Last evaluated: 2019-04-24. Review status: criteria provided, single submitter. Criteria: GeneDx Variant Classification Process June 2021. Collection method: clinical testing. Allele origin: germline. Affected: yes.
Comment: See Variant Classification Assertion Criteria.